The following is an entry in ClinVar:

NM_000553.6(WRN):c.1172G>T (p.Cys391Phe)

Gene: WRN (WRN RecQ like helicase; plus strand). Cytogenetic location: 8p12.
Variant type: single nucleotide variant.
Coding change: c.1172G>T on transcript NM_000553.6 (MANE Select); coding-DNA position 1172, G replaced by T.
Protein change: p.Cys391Phe; replaces cysteine 391 with phenylalanine.
Molecular consequence: missense variant.
Genome position (GRCh38, 1-based): chr8:31,081,199, G>T. VCF-style: chr8-31081199-G-T. GRCh37 (hg19) VCF-style: chr8-30938715-G-T.
Other names: short protein forms C391F.
Identifiers: ClinVar variation 579903 (VCV000579903.10), dbSNP rs145445994, ClinGen allele CA4704261.
Genomic context (GRCh38, chr8:31,081,199, plus strand): 5'-AAGATGGATTTGAAGATGGAGTAGAAGACAACAAATTGAAAGAGAATATGGAAAGAGCTT[G>T]TTTGATGTCGTTAGATATTACAGAACATGAACTCCAAATTTTGGAACAGCAGTCTCAGGA-3'
Protein context (NP_000544.2, residues 381-401): NKLKENMERA[Cys391Phe]LMSLDITEHE

ClinVar aggregate classification (germline): Uncertain significance. Review status: criteria provided, multiple submitters, no conflicts (2 of 4 stars). 2 submissions from 2 submitters: Uncertain significance (2). Last evaluated 2025-08-18.

Conditions:
Werner syndrome (WRN). Identifiers: Orphanet 902, MedGen C0043119, MONDO:0010196, OMIM 277700.

Allele frequency attached by ClinVar (database versions not stated): ExAC 0.00002; TOPMed 0.00003; gnomAD 0.00004; gnomAD exomes 0.00004; ESP Exome Variant Server 0.00015.
gnomAD v4.1: 140 of 1,613,804 alleles (0.0087%); highest among the groups gnomAD compares: Non-Finnish European, 0.011%; no homozygotes.

Submissions (2):

Labcorp Genetics (formerly Invitae), Labcorp
Classification: Uncertain significance for Werner syndrome. Last evaluated: 2025-08-18. Review status: criteria provided, single submitter. Criteria: Invitae Variant Classification Sherloc (09022015). Collection method: clinical testing. Allele origin: germline.
Comment: This sequence change replaces cysteine, which is neutral and slightly polar, with phenylalanine, which is neutral and non-polar, at codon 391 of the WRN protein (p.Cys391Phe). This variant is present in population databases (rs145445994, gnomAD 0.009%). This variant has not been reported in the literature in individuals affected with WRN-related conditions. ClinVar contains an entry for this variant (Variation ID: 579903). An algorithm developed to predict the effect of missense changes on protein structure and function (PolyPhen-2) suggests that this variant is likely to be tolerated. In summary, the available evidence is currently insufficient to determine the role of this variant in disease. Therefore, it has been classified as a Variant of Uncertain Significance.

GeneDx
Classification: Uncertain significance. Last evaluated: 2019-07-09. Review status: criteria provided, single submitter. Criteria: GeneDx Variant Classification Process June 2021. Collection method: clinical testing. Allele origin: germline. Affected: yes.
Comment: Has not been previously published as pathogenic or benign to our knowledge; In silico analysis, which includes protein predictors and evolutionary conservation, supports a deleterious effect